The following continues an entry in ClinVar:

NM_000059.4(BRCA2):c.9275A>G (p.Tyr3092Cys)

Gene: BRCA2. ClinVar aggregate classification (germline): Conflicting classifications of pathogenicity. Uncertain significance (2); Benign (3); Likely benign (9).

Submission 20 of 20:

Department of Pathology and Laboratory Medicine, Sinai Health System
Classification: Likely benign. Review status: no assertion criteria provided. Collection method: clinical testing. Allele origin: unknown. Affected: yes. Study: The Canadian Open Genetics Repository (COGR). Not counted in ClinVar's aggregate classification.
Comment: Â¬â€ The BRCA2 p.Tyr3092Cys variant was identified in 3 of 7064 proband chromosomes (frequency: 0.0004) from Portugese, French and American individuals or families with (hereditary) breast and ovarian cancer (Peixoto 2015, Lee 2008 , Malone 2000, Caux-Moncoutier 2011). Functional assays looking at allelic imbalance, homologous directed DNA repair (HDR) and splicing of the variant did not show any defects and the variant was classified as likely not pathogenic (Caux-Moncoutier 2009, Guidugli 2013, Houdayer 2012). In silico models (protein likelihood ratio and multifactorial probability) also classify the variant as neutral/likely benign (Karchin 2008, Lindor 2012, Easton 2007). The variant is reported in ClinVar (Conflicting interpretations of pathogenicity. Benign by Mendelics in 2019. Likely benign by Counsyl in 2015, Integrated Genetics in 2017, GeneDx in 2017, Invitae in 2019, ARUP Laboratories in 2019, Quest Diagnostics in 2019, Ambry in 2018, Color in 2016, SCRP in 2012, Foulkes Cancer Genetics LDI in 2010. Uncertain significance by BIC in 2004, Erasmus Medical Unit in 2015, PLM at Sinai Health System in 2015, Genome Diagnostics Laboratory at Utrecht Universitiy Medical Cenre in 2014, Soonchunhyang University Bucheon Hospital in 2016), LOVD 2.0 (20 entries, 16x VUS, 1x LB, 1x B), ARUP laboratories (2 - Likely not pathogenic or of little clinical significance) databases. The variant was identified in dbSNP (rs80359195) as Uncertain significance. The variant was identified in control databases in 20 of 281996 chromosomes at a frequency of 0.00007092 (Genome Aggregation Database March 6, 2019, v2.1.1). The variant was observed in the following populations: South Asian in 5 of 30528 chromosomes (freq: 0.000164), Latino in 5 of 35332 chromosomes (freq: 0.000142), Other in 1 of 7194 chromosomes (freq: 0.000139), European (non-Finnish) in 8 of 128648 chromosomes (freq: 0.000062), East Asian in 1 of 19938 chromosomes (freq: 0.00005), but was not observed in the African, Ashkenazi Jewish, or European (Finnish) populations. UMD reports the variant to co-occur with a pathogenic BRCA2 variant, c.6275_6276delTT (p.Leu2092ProfsX7) (from Integrated Genetics ClinVar blurb, SCV000695231.1). The p.Tyr3092 residue is conserved in mammals and more distantly related organisms, and 8 out of 8 computational predictors (MUT Assesor, SIFT, Polyphen2, MT, FATHMM, DANN, MetaLR, Revel) suggest that the variant may impact the protein; however, this information is not predictive enough to assume pathogenicity. The variant occurs outside of the splicing consensus sequence and 3 of 5 in silico or computational prediction software programs (SpliceSiteFinder, MaxEntScan, NNSPLICE, GeneSplicer, HumanSpliceFinder) predict a greater than 10% difference in splicing. In summary, the clinical significance of this variant cannot be determined at this time, though we would lean toward a more benign role for this variant. This variant is classified as likely benign.

Literature cited by the submitters: PubMed 23108138 (cited by 5 submitters); PubMed 22505045 (cited by 3 submitters); PubMed 17924331 (cited by 4 submitters); PubMed 19043619 (cited by 4 submitters); PubMed 34063308 (cited by Quest Diagnostics Nichols Institute San Juan Capistrano and Women's Health and Genetics/Laboratory Corporation of America, LabCorp); PubMed 34597585 (cited by Quest Diagnostics Nichols Institute San Juan Capistrano); PubMed 36243179 (cited by Quest Diagnostics Nichols Institute San Juan Capistrano); PubMed 36896836 (cited by Quest Diagnostics Nichols Institute San Juan Capistrano); PubMed 30040829 (cited by Quest Diagnostics Nichols Institute San Juan Capistrano and Women's Health and Genetics/Laboratory Corporation of America, LabCorp); PubMed 33471991 (cited by Quest Diagnostics Nichols Institute San Juan Capistrano); PubMed 32467295 (cited by Quest Diagnostics Nichols Institute San Juan Capistrano); PubMed 32438681 (cited by Quest Diagnostics Nichols Institute San Juan Capistrano and Women's Health and Genetics/Laboratory Corporation of America, LabCorp); PubMed 30287823 (cited by Quest Diagnostics Nichols Institute San Juan Capistrano); PubMed 31131967 (cited by Quest Diagnostics Nichols Institute San Juan Capistrano); PubMed 21120943 (cited by 3 submitters); PubMed 18284688 (cited by 3 submitters); PubMed 10717622 (cited by 5 submitters); PubMed 29625052 (cited by Quest Diagnostics Nichols Institute San Juan Capistrano); PubMed 24916970 (cited by 3 submitters); PubMed 24323938 (cited by Quest Diagnostics Nichols Institute San Juan Capistrano); PubMed 21990134 (cited by Women's Health and Genetics/Laboratory Corporation of America, LabCorp and Ambry Genetics); PubMed 19471317 (cited by Women's Health and Genetics/Laboratory Corporation of America, LabCorp and Counsyl); PubMed 22752604 (cited by Women's Health and Genetics/Laboratory Corporation of America, LabCorp); PubMed 25348012 (cited by Women's Health and Genetics/Laboratory Corporation of America, LabCorp); PubMed 12427538 (cited by Women's Health and Genetics/Laboratory Corporation of America, LabCorp); DOI 10.3389/fgene.2022.834265 (cited by National Health Laboratory Service, Universitas Academic Hospital and University of the Free State); PubMed 25782689 (cited by Ambry Genetics).